The following is an entry in ClinVar:

ClinVar aggregate classification (germline): Benign (1 of 4 stars; one submission).

Allele frequency attached by ClinVar (database versions not stated): gnomAD 0.23990 and 0.24453.

Submission:

GeneDx
Classification: Benign. Last evaluated: 2018-06-18. Review status: criteria provided, single submitter. Criteria: GeneDx Variant Classification (06012015). Collection method: clinical testing. Allele origin: germline. Affected: yes.
Comment: This variant is considered likely benign or benign based on one or more of the following criteria: it is a conservative change, it occurs at a poorly conserved position in the protein, it is predicted to be benign by multiple in silico algorithms, and/or has population frequency not consistent with disease.

NM_000744.7(CHRNA4):c.384-171T>C

Gene: CHRNA4 (cholinergic receptor nicotinic alpha 4 subunit; minus strand). Cytogenetic location: 20q13.33.
Variant type: single nucleotide variant.
Coding change: c.384-171T>C on transcript NM_000744.7 (MANE Select); 171 bases into the intron before coding-DNA position 384, T replaced by C.
Molecular consequence: intron variant.
Genome position (GRCh38, 1-based): chr20:63,351,198, A>G on the plus strand (T>C on the coding strand, the complement: CHRNA4 is on the minus strand). VCF-style: chr20-63351198-A-G. GRCh37 (hg19) VCF-style: chr20-61982550-A-G.
Other names: c.-145-171T>C (NM_001256573.2).
Identifiers: ClinVar variation 679137 (VCV000679137.1), dbSNP rs55658831, ClinGen allele CA317436850.
Genomic context (GRCh38, chr20:63,351,198, plus strand): 5'-CCCACATCCACGTCCACGCCCACATCCACGTCCACGCCCACATCCATGTCCCACGCCCAC[A>G]TCCACACCCACGTCCACGTCCACGCCCACATCCACACCCACGTCCACGTCCACGTCCACG-3'